The following is an entry in ClinVar:

ClinVar aggregate classification (germline): Conflicting classifications of pathogenicity. Review status: criteria provided, conflicting classifications (1 of 4 stars). 3 submissions from 3 submitters: Uncertain significance (1); Likely benign (2). Last evaluated 2025-09-02.

Conditions:
CHARGE syndrome (CHARGE). Also called: CHARGE ASSOCIATION--COLOBOMA, HEART ANOMALY, CHOANAL ATRESIA, RETARDATION, GENITAL AND EAR ANOMALIES; Coloboma, heart anomaly, choanal atresia, retardation, genital and ear anomalies; CHARGE association; Hall-Hittner syndrome; Hittner Hirsch Kreh syndrome. Identifiers: Orphanet 138, MedGen C0265354, MONDO:0008965.
Hypogonadotropic hypogonadism 5 with or without anosmia (KAL5). Also called: HYPOGONADOTROPIC HYPOGONADISM 5 WITH ANOSMIA; HYPOGONADOTROPHIC HYPOGONADISM 5 WITHOUT ANOSMIA; CHD7-Related GnRH Deficiency (Kallmann Syndrome 5). Identifiers: Orphanet 478, MedGen C3552553, MONDO:0012880, OMIM 612370. Disease mechanism: loss of function.

Allele frequency attached by ClinVar (database versions not stated): gnomAD 0.00002 and 0.00003; TOPMed 0.00002; gnomAD exomes 0.00004 and 0.00007; ExAC 0.00007; 1000 Genomes Project 30x 0.00016; 1000 Genomes Project 0.00020.
gnomAD v4.1: 57 of 1,613,812 alleles (0.0035%); highest among the groups gnomAD compares: East Asian, 0.051%; no homozygotes.

Submissions (3):

Labcorp Genetics (formerly Invitae), Labcorp
Classification: Likely benign for CHARGE syndrome. Last evaluated: 2025-09-02. Review status: criteria provided, single submitter. Criteria: Invitae Variant Classification Sherloc (09022015). Collection method: clinical testing. Allele origin: germline.

Fulgent Genetics
Classification: Uncertain significance for CHD7-related CHARGE syndrome; Hypogonadotropic hypogonadism 5 with or without anosmia. Last evaluated: 2024-03-14. Review status: criteria provided, single submitter. Criteria: ACMG Guidelines, 2015. Collection method: clinical testing. Allele origin: germline.

Illumina Laboratory Services, Illumina
Classification: Likely benign for Kallmann Syndrome 5. Last evaluated: 2018-01-12. Review status: criteria provided, single submitter. Criteria: ICSL Variant Classification Criteria 13 December 2019. Collection method: clinical testing. Allele origin: germline.
Comment: This variant was observed in the ICSL laboratory as part of a predisposition screen in an ostensibly healthy population. It had not been previously curated by ICSL or reported in the Human Gene Mutation Database (HGMD: prior to June 1st, 2018), and was therefore a candidate for classification through an automated scoring system. Utilizing variant allele frequency, disease prevalence and penetrance estimates, and inheritance mode, an automated score was calculated to assess if this variant is too frequent to cause the disease. Based on the score and internal cut-off values, a variant classified as likely benign is not then subjected to further curation. The score for this variant resulted in a classification of likely benign for this disease.

NM_017780.4(CHD7):c.2189C>T (p.Thr730Ile)

Gene: CHD7 (chromodomain helicase DNA binding protein 7; plus strand). Cytogenetic location: 8q12.2.
Variant type: single nucleotide variant.
Coding change: c.2189C>T on transcript NM_017780.4 (MANE Select); coding-DNA position 2189, C replaced by T.
Protein change: p.Thr730Ile; replaces threonine 730 with isoleucine.
Molecular consequence: missense variant. On other transcripts: intron variant (1).
Genome position (GRCh38, 1-based): chr8:60,795,078, C>T. VCF-style: chr8-60795078-C-T. GRCh37 (hg19) VCF-style: chr8-61707637-C-T.
Other names: c.1716+14028C>T (NM_001316690.1); short protein forms T730I.
Identifiers: ClinVar variation 363451 (VCV000363451.17), dbSNP rs552946889, ClinGen allele CA4759634.